The following is an entry in ClinVar:

ClinVar aggregate classification (germline): Likely benign (1 of 4 stars; one submission).

Submission:

CeGaT Center for Human Genetics Tuebingen
Classification: Likely benign. Last evaluated: 2023-05-01. Review status: criteria provided, single submitter. Criteria: CeGaT Center For Human Genetics Tuebingen Variant Classification Criteria Version 2. Collection method: clinical testing. Allele origin: germline. Affected: yes. Observed: 1 variant allele.
Comment: HRAS: BS1

NC_000011.10:g.531063G>C

Genes: HRAS (HRas proto-oncogene, GTPase; minus strand), LRRC56 (leucine rich repeat containing 56; plus strand). Cytogenetic location: 11p15.5.
Variant type: single nucleotide variant.
Genome position: GRCh38 VCF-style: chr11-531063-G-C. GRCh37 (hg19) VCF-style: chr11-531063-G-C.
Identifiers: ClinVar variation 2641066 (VCV002641066.24), dbSNP rs1159027148, ClinGen allele CA596788978.